The following is an entry in ClinVar:

NM_001195263.2(PDZD7):c.2644T>C (p.Ser882Pro)

Gene: PDZD7 (PDZ domain containing 7; minus strand). Cytogenetic location: 10q24.31.
Variant type: single nucleotide variant.
Coding change: c.2644T>C on transcript NM_001195263.2 (MANE Select); coding-DNA position 2644, T replaced by C.
Protein change: p.Ser882Pro; replaces serine 882 with proline.
Molecular consequence: missense variant.
Genome position (GRCh38, 1-based): chr10:101,009,324, A>G on the plus strand (T>C on the coding strand, the complement: PDZD7 is on the minus strand). VCF-style: chr10-101009324-A-G. GRCh37 (hg19) VCF-style: chr10-102769081-A-G.
Other names: short protein forms S882P.
Identifiers: ClinVar variation 1512334 (VCV001512334.8), dbSNP rs1852315949, ClinGen allele CA378223663.

ClinVar aggregate classification (germline): Uncertain significance (1 of 4 stars; one submission).

Allele frequency attached by ClinVar (database versions not stated): gnomAD exomes below 0.00001; TOPMed below 0.00001; gnomAD 0.00001.

Submission:

Labcorp Genetics (formerly Invitae), Labcorp
Classification: Uncertain significance. Last evaluated: 2021-02-20. Review status: criteria provided, single submitter. Criteria: Invitae Variant Classification Sherloc (09022015). Collection method: clinical testing. Allele origin: germline.
Comment: This sequence change replaces serine with proline at codon 882 of the PDZD7 protein (p.Ser882Pro). The serine residue is weakly conserved and there is a moderate physicochemical difference between serine and proline. In summary, the available evidence is currently insufficient to determine the role of this variant in disease. Therefore, it has been classified as a Variant of Uncertain Significance. Algorithms developed to predict the effect of missense changes on protein structure and function are either unavailable or do not agree on the potential impact of this missense change (SIFT: "Tolerated"; PolyPhen-2: "Not Available"; Align-GVGD: "Class C0"). This variant has not been reported in the literature in individuals with PDZD7-related conditions. The frequency data for this variant in the population databases is considered unreliable, as metrics indicate insufficient coverage at this position in the ExAC database.